The following is an entry in ClinVar:

NM_000302.4(PLOD1):c.77-3395G>T

Genes: PLOD1 (procollagen-lysine,2-oxoglutarate 5-dioxygenase 1; plus strand), LOC112577486 (Sharpr-MPRA regulatory region 8260; plus strand). Cytogenetic location: 1p36.22.
Variant type: single nucleotide variant.
Coding change: c.77-3395G>T on transcript NM_000302.4 (MANE Select); 3395 bases into the intron before coding-DNA position 77, G replaced by T.
Molecular consequence: intron variant. On other transcripts: missense variant (1).
Genome position (GRCh38, 1-based): chr1:11,944,581, G>T. VCF-style: chr1-11944581-G-T. GRCh37 (hg19) VCF-style: chr1-12004638-G-T.
Other names: c.136G>T, p.Asp46Tyr (NM_001316320.2); short protein forms D46Y.
Identifiers: ClinVar variation 3031607 (VCV003031607.2), dbSNP rs776315809, ClinGen allele CA597736.

ClinVar aggregate classification (germline): Likely benign (0 of 4 stars; one submission).

Conditions:
PLOD1-related disorder. Also called: PLOD1-related condition.

Allele frequency attached by ClinVar (database versions not stated): gnomAD 0.00001; gnomAD exomes 0.00002; TOPMed 0.00003; ExAC 0.00005.
gnomAD v4.1: 23 of 1,360,600 alleles (0.0017%); highest among the groups gnomAD compares: Middle Eastern, 0.021%; no homozygotes.

Submission:

PreventionGenetics, part of Exact Sciences
Classification: Likely benign for PLOD1-related condition. Last evaluated: 2021-04-20. Review status: no assertion criteria provided. Collection method: clinical testing. Allele origin: germline.
Comment: This variant is classified as likely benign based on ACMG/AMP sequence variant interpretation guidelines (Richards et al. 2015 PMID: 25741868, with internal and published modifications).